The following is an entry in ClinVar:

NM_022552.5(DNMT3A):c.64G>A (p.Asp22Asn)

Gene: DNMT3A (DNA methyltransferase 3 alpha; minus strand). Cytogenetic location: 2p23.3.
Variant type: single nucleotide variant.
Coding change: c.64G>A on transcript NM_022552.5 (MANE Select); coding-DNA position 64, G replaced by A.
Protein change: p.Asp22Asn; replaces aspartic acid 22 with asparagine.
Molecular consequence: missense variant. On other transcripts: non-coding transcript variant (1).
Genome position (GRCh38, 1-based): chr2:25,313,921, C>T on the plus strand (G>A on the coding strand, the complement: DNMT3A is on the minus strand). VCF-style: chr2-25313921-C-T. GRCh37 (hg19) VCF-style: chr2-25536790-C-T.
Other names: c.64G>A, p.Asp22Asn (NM_001320892.2, NM_175629.2, NM_175630.1); short protein forms D22N.
Identifiers: ClinVar variation 1318598 (VCV001318598.2), dbSNP rs1351253637, ClinGen allele CA346254309.

ClinVar aggregate classification (germline): Uncertain significance (1 of 4 stars; one submission).

Allele frequency attached by ClinVar (database versions not stated): TOPMed below 0.00001.

Submission:

GeneDx
Classification: Uncertain significance. Last evaluated: 2019-12-12. Review status: criteria provided, single submitter. Criteria: GeneDx Variant Classification Process June 2021. Collection method: clinical testing. Allele origin: germline. Affected: yes.
Comment: Has not been previously published as pathogenic or benign to our knowledge; Not observed in large population cohorts (Lek et al., 2016); In silico analysis, which includes protein predictors and evolutionary conservation, supports a deleterious effect